The following is an entry in ClinVar:

NM_001376.5(DYNC1H1):c.1869C>G (p.Phe623Leu)

Gene: DYNC1H1 (dynein cytoplasmic 1 heavy chain 1; plus strand). Cytogenetic location: 14q32.31.
Variant type: single nucleotide variant.
Coding change: c.1869C>G on transcript NM_001376.5 (MANE Select); coding-DNA position 1869, C replaced by G.
Protein change: p.Phe623Leu; replaces phenylalanine 623 with leucine.
Molecular consequence: missense variant.
Genome position (GRCh38, 1-based): chr14:101,986,094, C>G. VCF-style: chr14-101986094-C-G. GRCh37 (hg19) VCF-style: chr14-102452431-C-G.
Other names: short protein forms F623L.
Identifiers: ClinVar variation 373146 (VCV000373146.1), dbSNP rs1057518250, ClinGen allele CA16042868.

ClinVar aggregate classification (germline): Likely pathogenic (1 of 4 stars; one submission).

Submission:

GeneDx
Classification: Likely pathogenic. Last evaluated: 2016-12-01. Review status: criteria provided, single submitter. Criteria: GeneDx Variant Classification (06012015). Collection method: clinical testing. Allele origin: germline. Affected: yes.
Comment: The F623L variant in the DYNC1H1 gene has not been reported previously as a pathogenic variant, nor as a benign variant, to our knowledge. This variant was not observed in approximately 6500 individuals of European and African American ancestry in the NHLBI Exome Sequencing Project, indicating it is not a common benign variant in these populations. The F623L variant is a conservative amino acid substitution, which is not likely to impact secondary protein structure as these residues share similar properties. However, this substitution occurs at a position within the STEM region and dimerization domain of the protein that is conserved across species, and in silico analysis predicts this variant is probably damaging to the protein structure/function. The F623L variant is a strong candidate for a pathogenic variant, however the possibility it may be a rare benign variant cannot be excluded.